The following is an entry in ClinVar:

NM_000051.4(ATM):c.292A>T (p.Ser98Cys)

Gene: ATM (ATM serine/threonine kinase; plus strand). Cytogenetic location: 11q22.3.
Variant type: single nucleotide variant.
Coding change: c.292A>T on transcript NM_000051.4 (MANE Select); coding-DNA position 292, A replaced by T.
Protein change: p.Ser98Cys; replaces serine 98 with cysteine.
Molecular consequence: missense variant.
Genome position (GRCh38, 1-based): chr11:108,229,284, A>T. VCF-style: chr11-108229284-A-T. GRCh37 (hg19) VCF-style: chr11-108100011-A-T.
Other names: c.292A>T, p.Ser98Cys (NM_001351834.2, NM_001351835.2, NM_001351836.2); short protein forms S98C.
Identifiers: ClinVar variation 2006886 (VCV002006886.1), dbSNP rs768318076, ClinGen allele CA382521719.
Genomic context (GRCh38, chr11:108,229,284, plus strand): 5'-GCAAAACCAAATGTATCAGCCTCAACACAAGCCTCCAGGCAGAAAAAGATGCAGGAAATC[A>T]GTAGTTTGGTCAAATACTTCATCAAATGTGCAAACAGAAGTAAGTGATGTTATAAATTAT-3'
Protein context (NP_000042.3, residues 88-108): ASRQKKMQEI[Ser98Cys]SLVKYFIKCA

ClinVar aggregate classification (germline): Uncertain significance (1 of 4 stars; one submission).

Conditions:
Ataxia-telangiectasia syndrome (AT). Also called: Cerebello-oculocutaneous telangiectasia; Immunodeficiency with ataxia telangiectasia; Ataxia telangiectasia (A-T); LOUIS-BAR SYNDROME; Ataxia-telangiectasia, complementation group D; AT, COMPLEMENTATION GROUP C. Identifiers: Orphanet 100, MedGen C0004135, MONDO:0008840, OMIM 208900.

Submission:

Labcorp Genetics (formerly Invitae), Labcorp
Classification: Uncertain significance for Ataxia-telangiectasia syndrome. Last evaluated: 2022-06-15. Review status: criteria provided, single submitter. Criteria: Invitae Variant Classification Sherloc (09022015). Collection method: clinical testing. Allele origin: germline.
Comment: This sequence change replaces serine, which is neutral and polar, with cysteine, which is neutral and slightly polar, at codon 98 of the ATM protein (p.Ser98Cys). This variant is not present in population databases (gnomAD no frequency). This variant has not been reported in the literature in individuals affected with ATM-related conditions. Advanced modeling of protein sequence and biophysical properties (such as structural, functional, and spatial information, amino acid conservation, physicochemical variation, residue mobility, and thermodynamic stability) performed at Invitae indicates that this missense variant is not expected to disrupt ATM protein function. In summary, the available evidence is currently insufficient to determine the role of this variant in disease. Therefore, it has been classified as a Variant of Uncertain Significance.